The following is an entry in ClinVar:

NM_025114.4(CEP290):c.5515_5518del (p.Glu1839fs)

Gene: CEP290 (centrosomal protein 290; minus strand). Cytogenetic location: 12q21.32.
Variant type: Microsatellite.
Coding change: c.5515_5518del on transcript NM_025114.4 (MANE Select); coding-DNA positions 5515 to 5518, 4 bases deleted (GAGA; older notation c.5515_5518delGAGA).
Protein change: p.Glu1839fs; shifts the reading frame from glutamic acid 1839.
Molecular consequence: frameshift variant.
Genome position (GRCh38, 1-based): chr12:88,077,765-88,077,768, TCTC deleted on the plus strand (GAGA on the coding strand, the reverse complement: CEP290 is on the minus strand); deleting any 4 consecutive bases within chr12:88,077,765-88,077,771 gives the same sequence; the c. name uses the placement nearest the transcript's 3' end. VCF-style (leftmost placement, unchanged base first): chr12-88077764-TTCTC-T. GRCh37 (hg19) VCF-style: chr12-88471541-TTCTC-T.
Other names: c.5515_5518delGAGA (NM_025114.3); short protein forms E1839fs.
Identifiers: ClinVar variation 99859 (VCV000099859.17), dbSNP rs281865187, ClinGen allele CA227979.

ClinVar aggregate classification (germline): Pathogenic/Likely pathogenic. Review status: criteria provided, multiple submitters, no conflicts (2 of 4 stars). 8 submissions from 8 submitters: Pathogenic (6); Likely pathogenic (1). 1 of the submissions does not count toward it. Last evaluated 2025-11-10.

Conditions:
CEP290-related ciliopathy. Also called: CEP290 ciliopathy. Identifiers: MedGen CN305601, MONDO:0100451.
CEP290-related disorder. Also called: CEP290-related disorders; CEP290-related condition. Identifiers: MedGen CN239314.
Meckel-Gruber syndrome. Also called: DYSENCEPHALIA SPLANCHNOCYSTICA; GRUBER SYNDROME; Dysencephalia splachnocystica. Identifiers: Orphanet 564, MedGen C0265215, MONDO:0018921.
Nephronophthisis. Also called: Juvenile Nephronophthisis. Identifiers: Orphanet 655, MedGen C0687120, MONDO:0019005, HP:0000090.
Joubert syndrome. Also called: JOUBERT-BOLTSHAUSER SYNDROME; Familial aplasia of the vermis. Identifiers: Orphanet 475, MedGen C5979921, MONDO:0018772.
Leber congenital amaurosis 10 (LCA10). Identifiers: Orphanet 65, MedGen C1857821, MONDO:0012723, OMIM 611755.
Meckel syndrome, type 4 (MKS4). Also called: MECKEL-GRUBER SYNDROME, TYPE 4. Identifiers: Orphanet 564, MedGen C1970161, MONDO:0012626, OMIM 611134.
Senior-Loken syndrome 6 (SLSN6). Identifiers: Orphanet 3156, MedGen C1857779, MONDO:0012433, OMIM 610189.
Joubert syndrome 5 (JBTS5). Identifiers: Orphanet 2318, MedGen C1857780, MONDO:0012432, OMIM 610188.
Bardet-Biedl syndrome 14 (BBS14). Identifiers: Orphanet 110, MedGen C2673874, MONDO:0014442, OMIM 615991.
Leber congenital amaurosis (LCA). Also called: Leber's amaurosis. Identifiers: Orphanet 65, MedGen C0339527, MeSH D057130, MONDO:0018998.

Submissions (8):

Labcorp Genetics (formerly Invitae), Labcorp
Classification: Pathogenic for Joubert syndrome; Meckel-Gruber syndrome; Nephronophthisis. Last evaluated: 2025-11-10. Review status: criteria provided, single submitter. Criteria: Invitae Variant Classification Sherloc (09022015). Collection method: clinical testing. Allele origin: germline.
Comment: This sequence change creates a premature translational stop signal (p.Glu1839Lysfs*11) in the CEP290 gene. It is expected to result in an absent or disrupted protein product. Loss-of-function variants in CEP290 are known to be pathogenic (PMID: 16909394, 17345604, 20690115). This variant is present in population databases (rs281865187, gnomAD 0.007%). This premature translational stop signal has been observed in individual(s) with Joubert syndrome (PMID: 16682973). ClinVar contains an entry for this variant (Variation ID: 99859). For these reasons, this variant has been classified as Pathogenic.

Natera, Inc.
Classification: Pathogenic for Leber congenital amaurosis. Last evaluated: 2025-11-05. Review status: criteria provided, single submitter. Criteria: Natera Variant Classification Schema (03/2026). Collection method: clinical testing. Allele origin: germline.
Comment: The c.5515_5518delGAGA variant in CEP290 is a frameshift variant predicted to shift the reading frame beginning at codon 1839 and leads to a stop codon 11 codons downstream. This variant is expected to result in nonsense mediated decay, truncation, or a dysfunctional protein product. This variant is rare in the general population with a frequency below the threshold expected for the associated phenotype(s). This variant has been observed in one or more individuals affected with the associated recessive disease, as either homozygous or compound heterozygous with a second variant (PMID: 33308271, 16682973). Given the available evidence, this variant is classified as Pathogenic.

PreventionGenetics, part of Exact Sciences
Classification: Pathogenic for CEP290-related condition. Last evaluated: 2025-07-15. Review status: criteria provided, single submitter. Criteria: ACMG Guidelines, 2015. Collection method: clinical testing. Allele origin: germline.
Comment: The CEP290 c.5515_5518delGAGA variant is predicted to result in a frameshift and premature protein termination (p.Glu1839Lysfs*11). This variant has been reported in individuals with Joubert syndrome (Sayer et al. 2006. PubMed ID: 16682973; Chaki et al. 2011. PubMed ID: 21866095). This variant is reported in 0.0056% of alleles in individuals of East Asian descent in gnomAD. Frameshift variants in CEP290 are expected to be pathogenic. This variant is interpreted as pathogenic.

Myriad Genetics, Inc.
Classification: Pathogenic for CEP290-related ciliopathy. Last evaluated: 2025-06-23. Review status: criteria provided, single submitter. Criteria: Myriad Autosomal Dominant, Autosomal Recessive and X-Linked Classification Criteria (2023). Collection method: clinical testing. Allele origin: unknown.
Comment: NM_025114.3(CEP290):c.5515_5518delGAGA(E1839Kfs*11) is a frameshift variant classified as pathogenic in the context of CEP290-related disorders. E1839Kfs*11 has been observed in cases with relevant disease (PMID: 16682973, 33308271). Relevant functional assessments of this variant are not available in the literature. E1839Kfs*11 has been observed in referenced population frequency databases. In summary, NM_025114.3(CEP290):c.5515_5518delGAGA(E1839Kfs*11) is a frameshift variant in a gene where loss of function is a known mechanism of disease, is predicted to disrupt protein function, and has been observed more frequently in cases with the relevant disease than in healthy populations. Please note: this variant was assessed in the context of healthy population screening.

Fulgent Genetics
Classification: Pathogenic for Joubert syndrome 5; Senior-Loken syndrome 6; Meckel syndrome, type 4; Leber congenital amaurosis 10; Bardet-Biedl syndrome 14. Last evaluated: 2024-01-31. Review status: criteria provided, single submitter. Criteria: ACMG Guidelines, 2015. Collection method: clinical testing. Allele origin: germline.

Baylor Genetics
Classification: Pathogenic for Bardet-Biedl syndrome 14. Last evaluated: 2023-01-05. Review status: criteria provided, single submitter. Criteria: ACMG Guidelines, 2015. Collection method: clinical testing. Allele origin: unknown.

Blueprint Genetics
Classification: Likely pathogenic for CEP290-related disorders. Last evaluated: 2019-12-23. Review status: criteria provided, single submitter. Criteria: ACMG Guidelines, 2015. Collection method: clinical testing. Allele origin: germline. Affected: yes. Observed: 2 variant alleles.

Retina International
No classification provided. Review status: no classification provided. Collection method: not provided. Allele origin: not provided. Not counted in ClinVar's aggregate classification.

Literature cited by the submitters: PubMed 16909394 (cited by Labcorp Genetics (formerly Invitae), Labcorp); PubMed 17345604 (cited by Labcorp Genetics (formerly Invitae), Labcorp); PubMed 20690115 (cited by Labcorp Genetics (formerly Invitae), Labcorp); PubMed 16682973 (cited by 3 submitters); PubMed 33308271 (cited by Natera, Inc. and Myriad Genetics, Inc.).